The following is an entry in ClinVar:

ClinVar aggregate classification (germline): Uncertain significance (1 of 4 stars; one submission).

Submission:

Labcorp Genetics (formerly Invitae), Labcorp
Classification: Uncertain significance. Last evaluated: 2025-10-10. Review status: criteria provided, single submitter. Criteria: Invitae Variant Classification Sherloc (09022015). Collection method: clinical testing. Allele origin: germline.
Comment: This sequence change replaces glutamic acid, which is acidic and polar, with aspartic acid, which is acidic and polar, at codon 147 of the NEFH protein (p.Glu147Asp). This variant is not present in population databases (gnomAD no frequency). This variant has not been reported in the literature in individuals affected with NEFH-related conditions. Invitae Evidence Modeling of protein sequence and biophysical properties (such as structural, functional, and spatial information, amino acid conservation, physicochemical variation, residue mobility, and thermodynamic stability) indicates that this missense variant is not expected to disrupt NEFH protein function with a negative predictive value of 95%. In summary, the available evidence is currently insufficient to determine the role of this variant in disease. Therefore, it has been classified as a Variant of Uncertain Significance.

NM_021076.4(NEFH):c.441G>T (p.Glu147Asp)

Gene: NEFH (neurofilament heavy chain; plus strand). Cytogenetic location: 22q12.2.
Variant type: single nucleotide variant.
Coding change: c.441G>T on transcript NM_021076.4 (MANE Select); coding-DNA position 441, G replaced by T.
Protein change: p.Glu147Asp; replaces glutamic acid 147 with aspartic acid.
Molecular consequence: missense variant.
Genome position (GRCh38, 1-based): chr22:29,480,703, G>T. VCF-style: chr22-29480703-G-T. GRCh37 (hg19) VCF-style: chr22-29876692-G-T.
Other names: short protein forms E147D.
Identifiers: ClinVar variation 4797952 (VCV004797952.1).